The following is an entry in ClinVar:

ClinVar aggregate classification (germline): Uncertain significance (1 of 4 stars; one submission).

Conditions:
Tumor predisposition syndrome 3 (TPDS3). Also called: Melanoma, cutaneous malignant, susceptibility to, 10; LONG TELOMERE SYNDROME, POT1-RELATED; POT1 Tumor Predisposition; Glioma susceptibility 9. Identifiers: Orphanet 618, MedGen C4014476, MONDO:0014368, OMIM 615848.

Submission:

Labcorp Genetics (formerly Invitae), Labcorp
Classification: Uncertain significance for Tumor predisposition syndrome 3. Last evaluated: 2023-01-20. Review status: criteria provided, single submitter. Criteria: Invitae Variant Classification Sherloc (09022015). Collection method: clinical testing. Allele origin: germline.
Comment: This variant disrupts the p.Lys90 amino acid residue in POT1. Other variant(s) that disrupt this residue have been determined to be pathogenic (PMID: 27239034, 28389767; Invitae). This suggests that this residue is clinically significant, and that variants that disrupt this residue are likely to be disease-causing. In summary, the available evidence is currently insufficient to determine the role of this variant in disease. Therefore, it has been classified as a Variant of Uncertain Significance. Advanced modeling of protein sequence and biophysical properties (such as structural, functional, and spatial information, amino acid conservation, physicochemical variation, residue mobility, and thermodynamic stability) performed at Invitae indicates that this missense variant is not expected to disrupt POT1 protein function. This variant has not been reported in the literature in individuals affected with POT1-related conditions. This variant is not present in population databases (gnomAD no frequency). This sequence change replaces lysine, which is basic and polar, with asparagine, which is neutral and polar, at codon 90 of the POT1 protein (p.Lys90Asn).

Literature cited by the submitters: PubMed 27239034; PubMed 28389767.

NM_015450.3(POT1):c.270A>C (p.Lys90Asn)

Gene: POT1 (protection of telomeres 1; minus strand). Cytogenetic location: 7q31.33.
Variant type: single nucleotide variant.
Coding change: c.270A>C on transcript NM_015450.3 (MANE Select); coding-DNA position 270, A replaced by C.
Protein change: p.Lys90Asn; replaces lysine 90 with asparagine.
Molecular consequence: missense variant. On other transcripts: 5 prime UTR variant (1), non-coding transcript variant (3).
Genome position (GRCh38, 1-based): chr7:124,863,626, T>G on the plus strand (A>C on the coding strand, the complement: POT1 is on the minus strand). VCF-style: chr7-124863626-T-G. GRCh37 (hg19) VCF-style: chr7-124503680-T-G.
Other names: c.-124A>C (NM_001042594.2); short protein forms K90N.
Identifiers: ClinVar variation 2830378 (VCV002830378.3), dbSNP rs1795653104, ClinGen allele CA369060528.